The following is an entry in ClinVar:

NM_015466.4(PTPN23):c.4637C>T (p.Pro1546Leu)

Gene: PTPN23 (protein tyrosine phosphatase non-receptor type 23; plus strand). Cytogenetic location: 3p21.31.
Variant type: single nucleotide variant.
Coding change: c.4637C>T on transcript NM_015466.4 (MANE Select); coding-DNA position 4637, C replaced by T.
Protein change: p.Pro1546Leu; replaces proline 1546 with leucine.
Molecular consequence: missense variant.
Genome position (GRCh38, 1-based): chr3:47,412,911, C>T. VCF-style: chr3-47412911-C-T. GRCh37 (hg19) VCF-style: chr3-47454401-C-T.
Other names: c.4259C>T, p.Pro1420Leu (NM_001304482.2); short protein forms P1420L, P1546L.
Identifiers: ClinVar variation 1497335 (VCV001497335.8), dbSNP rs1425839756, ClinGen allele CA352568155.
Genomic context (GRCh38, chr3:47,412,911, plus strand): 5'-CCCCAGGCCTCCCGCCAGCCAGCCTCCCAGAGTCTACCCCAATCCCATCTTCCTCCCCGC[C>T]CCCCCTTTCCTCCCCACTACCTGAGGCTCCCCAGCCTAAGGAGGAGCCGCCAGTGCCTGA-3'
Protein context (NP_056281.1, residues 1536-1556): ESTPIPSSSP[Pro1546Leu]PLSSPLPEAP

ClinVar aggregate classification (germline): Uncertain significance (1 of 4 stars; one submission).

Allele frequency attached by ClinVar (database versions not stated): TOPMed below 0.00001.
gnomAD v4.1: 4 of 1,603,058 alleles (0.00025%); highest among the groups gnomAD compares: Non-Finnish European, 0.00026%; no homozygotes.

Submission:

Labcorp Genetics (formerly Invitae), Labcorp
Classification: Uncertain significance. Last evaluated: 2022-03-19. Review status: criteria provided, single submitter. Criteria: Invitae Variant Classification Sherloc (09022015). Collection method: clinical testing. Allele origin: germline.
Comment: In summary, the available evidence is currently insufficient to determine the role of this variant in disease. Therefore, it has been classified as a Variant of Uncertain Significance. Algorithms developed to predict the effect of missense changes on protein structure and function are either unavailable or do not agree on the potential impact of this missense change (SIFT: "Tolerated"; PolyPhen-2: "Not Available"; Align-GVGD: "Class C0"). This variant has not been reported in the literature in individuals affected with PTPN23-related conditions. This variant is not present in population databases (gnomAD no frequency). This sequence change replaces proline, which is neutral and non-polar, with leucine, which is neutral and non-polar, at codon 1546 of the PTPN23 protein (p.Pro1546Leu).